The following is an entry in ClinVar:

ClinVar aggregate classification (germline): Benign. Review status: criteria provided, multiple submitters, no conflicts (2 of 4 stars). 3 submissions from 3 submitters: Benign (2). 1 of the submissions does not count toward it. Last evaluated 2018-06-14.

Allele frequency attached by ClinVar (database versions not stated): 1000 Genomes Project 30x 0.21159; 1000 Genomes Project 0.21426; TOPMed 0.28572; gnomAD 0.30387 and 0.30406; ESP Exome Variant Server 0.31325; gnomAD exomes 0.33189 and 0.39539; ExAC 0.34806.
gnomAD v4.1: 470,193 of 1,226,766 alleles (38%); highest among the groups gnomAD compares: Non-Finnish European, 44%; 96,553 homozygotes.

Submissions (3):

GeneDx
Classification: Benign. Last evaluated: 2018-06-14. Review status: criteria provided, single submitter. Criteria: GeneDx Variant Classification (06012015). Collection method: clinical testing. Allele origin: germline. Affected: yes.
Comment: This variant is considered likely benign or benign based on one or more of the following criteria: it is a conservative change, it occurs at a poorly conserved position in the protein, it is predicted to be benign by multiple in silico algorithms, and/or has population frequency not consistent with disease.

Breakthrough Genomics
Classification: Benign. Review status: criteria provided, single submitter. Criteria: ACMG Guidelines, 2015. Collection method: not provided. Allele origin: germline. Inheritance: Autosomal recessive inheritance. Affected: yes.

Genetic Services Laboratory, University of Chicago
Classification: Likely benign. Review status: no assertion criteria provided. Collection method: clinical testing. Allele origin: germline. Inheritance: Autosomal recessive inheritance. Not counted in ClinVar's aggregate classification.
Comment: Likely benign based on allele frequency in 1000 Genomes Project or ESP global frequency and its presence in a patient with a rare or unrelated disease phenotype. NOT Sanger confirmed

NM_018136.5(ASPM):c.8988-42G>A

Gene: ASPM (assembly factor for spindle microtubules; minus strand). Cytogenetic location: 1q31.3.
Variant type: single nucleotide variant.
Coding change: c.8988-42G>A on transcript NM_018136.5 (MANE Select); 42 bases into the intron before coding-DNA position 8988, G replaced by A.
Molecular consequence: intron variant.
Genome position (GRCh38, 1-based): chr1:197,094,222, C>T on the plus strand (G>A on the coding strand, the complement: ASPM is on the minus strand). VCF-style: chr1-197094222-C-T. GRCh37 (hg19) VCF-style: chr1-197063352-C-T.
Other names: c.4233-42G>A (NM_001206846.2).
Identifiers: ClinVar variation 157902 (VCV000157902.7), dbSNP rs41304071, ClinGen allele CA171272.